The following is an entry in ClinVar:

NM_000524.4(HTR1A):c.465G>T (p.Ala155=)

Gene: HTR1A (5-hydroxytryptamine receptor 1A; minus strand). Cytogenetic location: 5q12.3.
Variant type: single nucleotide variant.
Coding change: c.465G>T on transcript NM_000524.4 (MANE Select); coding-DNA position 465, G replaced by T.
Protein change: p.Ala155=; no amino-acid change (alanine 155 retained).
Molecular consequence: synonymous variant.
Genome position (GRCh38, 1-based): chr5:63,961,255, C>A on the plus strand (G>T on the coding strand, the complement: HTR1A is on the minus strand). VCF-style: chr5-63961255-C-A. GRCh37 (hg19) VCF-style: chr5-63257082-C-A.
Identifiers: ClinVar variation 713593 (VCV000713593.4), dbSNP rs115753404, ClinGen allele CA3280911.

ClinVar aggregate classification (germline): Likely benign. Review status: criteria provided, multiple submitters, no conflicts (2 of 4 stars). 2 submissions from 2 submitters: Likely benign (2). Last evaluated 2026-08-19.

Conditions:
HTR1A-related disorder. Also called: HTR1A-related condition.

Allele frequency attached by ClinVar (database versions not stated): 1000 Genomes Project 0.00020; ExAC 0.00024; gnomAD exomes 0.00026; 1000 Genomes Project 30x 0.00031; TOPMed 0.00041; gnomAD 0.00044 and 0.00048; ESP Exome Variant Server 0.00069.

Submissions (2):

PreventionGenetics, part of Exact Sciences
Classification: Likely benign for HTR1A-related condition. Last evaluated: 2026-08-19. Review status: criteria provided, single submitter. Criteria: ACMG Guidelines, 2015. Collection method: clinical testing. Allele origin: germline.
Comment: This variant is classified as likely benign based on ACMG/AMP sequence variant interpretation guidelines (Richards et al. 2015 PMID: 25741868, with internal and published modifications).

Labcorp Genetics (formerly Invitae), Labcorp
Classification: Likely benign. Last evaluated: 2018-05-23. Review status: criteria provided, single submitter. Criteria: Invitae Variant Classification Sherloc (09022015). Collection method: clinical testing. Allele origin: germline.